The following is an entry in ClinVar:

NM_005633.4(SOS1):c.2510+19C>G

Gene: SOS1 (SOS Ras/Rac guanine nucleotide exchange factor 1; minus strand). Cytogenetic location: 2p22.1.
Variant type: single nucleotide variant.
Coding change: c.2510+19C>G on transcript NM_005633.4 (MANE Select); 19 bases into the intron after coding-DNA position 2510, C replaced by G.
Molecular consequence: intron variant.
Genome position (GRCh38, 1-based): chr2:39,010,565, G>C on the plus strand (C>G on the coding strand, the complement: SOS1 is on the minus strand). VCF-style: chr2-39010565-G-C. GRCh37 (hg19) VCF-style: chr2-39237706-G-C.
Other names: c.2489+19C>G (NM_001382394.1); c.2510+19C>G (NM_001382395.1).
Identifiers: ClinVar variation 383205 (VCV000383205.10), dbSNP rs375675348, ClinGen allele CA1624408.

ClinVar aggregate classification (germline): Likely benign. Review status: criteria provided, multiple submitters, no conflicts (2 of 4 stars). 4 submissions from 3 submitters: Likely benign (4). Last evaluated 2025-11-11.

Conditions:
RASopathy. Also called: rasopathies; Noonan spectrum disorder. Identifiers: Orphanet 536391, MedGen C5555857, MONDO:0021060.
Noonan syndrome 4 (NS4). Also called: SOS1-Related Noonan Syndrome; NOONAN SYNDROME WITH PIGMENTED VILLONODULAR SYNOVITIS. Identifiers: Orphanet 648, MedGen C1853120, MONDO:0012547, OMIM 610733.
Fibromatosis, gingival, 1 (GINGF1). Identifiers: Orphanet 2024, MedGen C4551558, MONDO:0007609, OMIM 135300.

Allele frequency attached by ClinVar (database versions not stated): ExAC 0.00002; gnomAD exomes 0.00002; gnomAD 0.00007 and 0.00009; ESP Exome Variant Server 0.00008; TOPMed 0.00009; 1000 Genomes Project 30x 0.00016; 1000 Genomes Project 0.00020.
gnomAD v4.1: 23 of 1,603,652 alleles (0.0014%); highest among the groups gnomAD compares: African/African-American, 0.027%; no homozygotes.

Submissions (4):

Labcorp Genetics (formerly Invitae), Labcorp
Classification: Likely benign for RASopathy. Last evaluated: 2025-11-11. Review status: criteria provided, single submitter. Criteria: Invitae Variant Classification Sherloc (09022015). Collection method: clinical testing. Allele origin: germline.

GeneDx
Classification: Likely benign. Last evaluated: 2016-01-22. Review status: criteria provided, single submitter. Criteria: GeneDx Variant Classification (06012015). Collection method: clinical testing. Allele origin: germline. Affected: yes.
Comment: This variant is considered likely benign or benign based on one or more of the following criteria: it is a conservative change, it occurs at a poorly conserved position in the protein, it is predicted to be benign by multiple in silico algorithms, and/or has population frequency not consistent with disease.

Genome-Nilou Lab
Classification: Likely benign for Noonan syndrome 4. Review status: criteria provided, single submitter. Criteria: ACMG Guidelines, 2015. Collection method: clinical testing. Allele origin: germline.

Genome-Nilou Lab
Classification: Likely benign for Fibromatosis, gingival, 1. Review status: criteria provided, single submitter. Criteria: ACMG Guidelines, 2015. Collection method: clinical testing. Allele origin: germline.